The following is an entry in ClinVar:

ClinVar aggregate classification (germline): Pathogenic (1 of 4 stars; one submission).

Conditions:
LAMA2-related muscular dystrophy (LAMA2-RD). Also called: Laminin alpha 2-related dystrophy. Identifiers: MedGen C5679788, MONDO:0100228.

Submission:

Labcorp Genetics (formerly Invitae), Labcorp
Classification: Pathogenic for LAMA2-related muscular dystrophy. Last evaluated: 2023-11-07. Review status: criteria provided, single submitter. Criteria: Invitae Variant Classification Sherloc (09022015). Collection method: clinical testing. Allele origin: germline.
Comment: This sequence change inserts a large fragment of DNA, likely a transposable element, in exon 25 of the LAMA2 gene (c.3700_3701ins?), causing a frameshift at codon 1234 (p.Tyr1234fs). The exact size and sequence of the insertion cannot be determined by the current assay. However, the insertion is expected to result in an absent or disrupted protein product. This variant is not present in population databases (gnomAD no frequency). This variant has not been reported in the literature in individuals affected with LAMA2-related conditions. ClinVar contains an entry for this variant (Variation ID: 1074594). Algorithms developed to predict the effect of sequence changes on RNA splicing suggest that this variant may create or strengthen a splice site. Retrotransposon insertions including LINE1 (L1), Alu, and SVA (SINE-VNTR-Alu) have been reported to be disease-causing through disruption of either a coding region or splice site (PMID: 19763152, 20307669, 22406018) and loss-of-function variants in LAMA2 are known to be pathogenic (PMID: 18700894, 32904964). For these reasons, this variant has been classified as Pathogenic.

Literature cited by the submitters: PubMed 19763152; PubMed 20307669; PubMed 22406018; PubMed 18700894; PubMed 32904964.

NM_000426.4(LAMA2):c.3700_3701insTTTTTTTTTTNNNNNNNNNNAGGATGGTCTCGATCTCCTGACCTCATGATCCACCCGCCTCGGCCTCCCAAAGTGCTGGGATTACAGGCGTGAGCCACCGCGCCCGGCCGGAACCTTTTT (p.Tyr1234delinsPhePhePheXaaXaaXaaXaaArgMetValSerIleSerTer)

Gene: LAMA2 (laminin subunit alpha 2; plus strand). Cytogenetic location: 6q22.33.
Variant type: Insertion.
Coding change: c.3700_3701insTTTTTTTTTTNNNNNNNNNNAGGATGGTCTCGATCTCCTGACCTCATGATCCACCCGCCTCGGCCTCCCAAAGTGCTGGGATTACAGGCGTGAGCCACCGCGCCCGGCCGGAACCTTTTT on transcript NM_000426.4 (MANE Select); coding-DNA positions 3700 to 3701, TTTTTTTTTTNNNNNNNNNNAGGATGGTCTCGATCTCCTGACCTCATGATCCACCCGCCTCGGCCTCCCAAAGTGCTGGGATTACAGGCGTGAGCCACCGCGCCCGGCCGGAACCTTTTT inserted.
Protein change: p.Tyr1234delinsPhePhePheXaaXaaXaaXaaArgMetValSerIleSerTer.
Molecular consequence: nonsense.
Genome position: GRCh38: chr6:129,315,620-129,315,621. GRCh37 (hg19): chr6:129,636,765-129,636,766.
Other names: c.3700_3701insTTTTTTTTTTNNNNNNNNNNAGGATGGTCTCGATCTCCTGACCTCATGATCCACCCGCCTCGGCCTCCCAAAGTGCTGGGATTACAGGCGTGAGCCACCGCGCCCGGCCGGAACCTTTTT, p.Tyr1234delinsPhePhePheXaaXaaXaaXaaArgMetValSerIleSerTer (NM_001079823.2).
Identifiers: ClinVar variation 1074594 (VCV001074594.9), dbSNP rs2114501598.